The following is an entry in ClinVar:

NM_000203.5(IDUA):c.1230_1257delinsG (p.Asp413_Leu421del)

Gene: IDUA (alpha-L-iduronidase; plus strand). Cytogenetic location: 4p16.3.
Variant type: Indel.
Coding change: c.1230_1257delinsG on transcript NM_000203.5 (MANE Select); coding-DNA positions 1230 to 1257, CGTCCTGGACAGCAACCACACGGTGGGC replaced by G.
Protein change: p.Asp413_Leu421del.
Molecular consequence: inframe deletion. On other transcripts: non-coding transcript variant (1).
Genome position (GRCh38, 1-based): chr4:1,002,772-1,002,799, CGTCCTGGACAGCAACCACACGGTGGGC replaced by G. VCF-style: chr4-1002772-CGTCCTGGACAGCAACCACACGGTGGGC-G. GRCh37 (hg19) VCF-style: chr4-996560-CGTCCTGGACAGCAACCACACGGTGGGC-G.
Other names: c.834_861delinsG, p.Asp281_Leu289del (NM_001363576.1).
Identifiers: ClinVar variation 526833 (VCV000526833.6), dbSNP rs1553917376, ClinGen allele CA658796415.
Genomic context (GRCh38, chr4:1,002,772, plus strand): 5'-GGCCCCCCCCCGCCCCGCAGATGAGGAGCAGCTCTGGGCCGAAGTGTCGCAGGCCGGGAC[CGTCCTGGACAGCAACCACACGGTGGGC>G]GTCCTGGCCAGCGCCCACCGCCCCCAGGGCCCGGCCGACGCCTGGCGCGCCGCGGTGCTG-3'

ClinVar aggregate classification (germline): Uncertain significance (1 of 4 stars; one submission).

Conditions:
Mucopolysaccharidosis type 1. Also called: IDUA deficiency; MPS I; Mucopolysaccharidosis Type I. Identifiers: Orphanet 579, MedGen C0023786, MONDO:0001586.

Submission:

Labcorp Genetics (formerly Invitae), Labcorp
Classification: Uncertain significance for Mucopolysaccharidosis type 1. Last evaluated: 2017-10-12. Review status: criteria provided, single submitter. Criteria: Invitae Variant Classification Sherloc (09022015). Collection method: clinical testing. Allele origin: germline.
Comment: While this variant is not present in population databases, the frequency information is unreliable, as metrics indicate poor data quality at this position in the ExAC database. In summary, the available evidence is currently insufficient to determine the role of this variant in disease. Therefore, it has been classified as a Variant of Uncertain Significance. Experimental studies and prediction algorithms are not available for this variant, and the functional significance of the deleted amino acids is currently unknown. This variant has not been reported in the literature in individuals with IDUA-related disease. This variant, c.1230_1257delinsG, results in the deletion of 9 amino acids of the IDUA protein (p.Asp413_Leu421del), but otherwise preserves the integrity of the reading frame.